The following is an entry in ClinVar:

NM_000059.4(BRCA2):c.5503A>G (p.Asn1835Asp)

Gene: BRCA2 (BRCA2 DNA repair associated; plus strand). Cytogenetic location: 13q13.1.
Variant type: single nucleotide variant.
Coding change: c.5503A>G on transcript NM_000059.4 (MANE Select); coding-DNA position 5503, A replaced by G.
Protein change: p.Asn1835Asp; replaces asparagine 1835 with aspartic acid.
Molecular consequence: missense variant.
Genome position (GRCh38, 1-based): chr13:32,339,858, A>G. VCF-style: chr13-32339858-A-G. GRCh37 (hg19) VCF-style: chr13-32913995-A-G.
Other names: short protein forms N1835D.
Identifiers: ClinVar variation 51873 (VCV000051873.41), dbSNP rs80358771, ClinGen allele CA022464.
Genomic context (GRCh38, chr13:32,339,858, plus strand): 5'-ACTAGCTCTTCACCCTGCAAAAATAAAAATGCAGCCATTAAATTGTCCATATCTAATAGT[A>G]ATAATTTTGAGGTAGGGCCACCTGCATTTAGGATAGCCAGTGGTAAAATCGTTTGTGTTT-3'
Protein context (NP_000050.3, residues 1825-1845): AAIKLSISNS[Asn1835Asp]NFEVGPPAFR

ClinVar aggregate classification (germline): Conflicting classifications of pathogenicity. Review status: criteria provided, conflicting classifications (1 of 4 stars). 11 submissions from 11 submitters: Uncertain significance (5); Likely benign (4). 2 of the submissions do not count toward it. Last evaluated 2026-05-10.

Conditions:
BRCA2-related disorder. Also called: BRCA2-related condition; BRCA2-related disorders. Identifiers: MedGen CN239275.
Hereditary cancer-predisposing syndrome. Also called: Neoplastic Syndromes, Hereditary; Hereditary neoplastic syndrome; Hereditary Cancer Syndrome; Tumor predisposition. Identifiers: Orphanet 140162, MedGen C0027672, MeSH D009386, MONDO:0015356.
Hereditary breast ovarian cancer syndrome. Also called: Hereditary breast and/or ovarian cancer syndrome; Hereditary breast and ovarian cancer syndrome (HBOC); Breast and ovarian cancer; Hereditary breast and ovarian cancer syndrome; Hereditary breast and ovarian cancer; BRCA1- and BRCA2-Associated Hereditary Breast and Ovarian Cancer. Identifiers: Orphanet 145, MedGen C0677776, MeSH D061325, MONDO:0003582. Disease mechanism: loss of function.
Breast-ovarian cancer, familial, susceptibility to, 2 (BROVCA2). Also called: BRCA2 Hereditary Breast and Ovarian Cancer. Identifiers: Orphanet 145, MedGen C2675520, MONDO:0012933, OMIM 612555. Disease mechanism: loss of function.

Allele frequency attached by ClinVar (database versions not stated): ExAC 0.00002; TOPMed 0.00006; gnomAD 0.00005; gnomAD exomes 0.00001 and 0.00002; ESP Exome Variant Server 0.00008.
gnomAD v4.1: 20 of 1,613,000 alleles (0.0012%); highest among the groups gnomAD compares: African/African-American, 0.025%; no homozygotes.

Submissions (11):

Women's Health and Genetics/Laboratory Corporation of America, LabCorp
Classification: Uncertain significance. Last evaluated: 2026-05-10. Review status: criteria provided, single submitter. Criteria: LabCorp Variant Classification Summary - May 2015. Collection method: clinical testing. Allele origin: germline.
Comment: Variant summary: BRCA2 c.5503A>G (p.Asn1835Asp) results in a conservative amino acid change in the encoded protein sequence. Algorithms developed to predict the effect of missense changes on protein structure and function all suggest that this variant is likely to be tolerated. The variant allele was found at a frequency of 2e-05 in 250144 control chromosomes. The available data on variant occurrences in the general population are insufficient to allow any conclusion about variant significance. c.5503A>G has been observed in an individual affected with Hereditary Breast And Ovarian Cancer Syndrome (Caux-Moncoutier_2011). These report(s) do not provide unequivocal conclusions about association of the variant with Hereditary Breast And Ovarian Cancer Syndrome. To our knowledge, no experimental evidence demonstrating an impact on protein function has been reported. The following publication have been ascertained in the context of this evaluation (PMID: 21120943). ClinVar contains an entry for this variant (Variation ID: 51873). Based on the evidence outlined above, the variant was classified as uncertain significance.

Labcorp Genetics (formerly Invitae), Labcorp
Classification: Uncertain significance for Hereditary breast ovarian cancer syndrome. Last evaluated: 2026-01-28. Review status: criteria provided, single submitter. Criteria: Invitae Variant Classification Sherloc (09022015). Collection method: clinical testing. Allele origin: germline.
Comment: This sequence change replaces asparagine, which is neutral and polar, with aspartic acid, which is acidic and polar, at codon 1835 of the BRCA2 protein (p.Asn1835Asp). This variant is present in population databases (rs80358771, gnomAD 0.02%). This missense change has been observed in individual(s) with breast/ovarian cancer (PMID: 21120943). ClinVar contains an entry for this variant (Variation ID: 51873). Invitae Evidence Modeling of protein sequence and biophysical properties (such as structural, functional, and spatial information, amino acid conservation, physicochemical variation, residue mobility, and thermodynamic stability) indicates that this missense variant is not expected to disrupt BRCA2 protein function with a negative predictive value of 95%. In summary, the available evidence is currently insufficient to determine the role of this variant in disease. Therefore, it has been classified as a Variant of Uncertain Significance.

Quest Diagnostics Nichols Institute San Juan Capistrano
Classification: Uncertain significance. Last evaluated: 2025-01-20. Review status: criteria provided, single submitter. Criteria: Quest Diagnostics criteria. Collection method: clinical testing. Allele origin: unknown.
Comment: The BRCA2 c.5503A>G (p.Asn1835Asp) variant has been reported in the published literature as a variant of uncertain significance in individuals with suspected hereditary breast and/or ovarian cancer syndrome (PMIDs: 21120943 (2011), 30630528 (2019), and 29884841 (2019)). Additionally, the variant has been reported in the published literature in a region of the BRCA2 gene that is tolerant to missense sequence changes (PMID: 31911673 (2020)). The frequency of this variant in the general population (Genome Aggregation Database) is uninformative in the assessment of its pathogenicity. Analysis of this variant using bioinformatics tools for the prediction of the effect of amino acid changes on protein structure and function yielded predictions that this variant is benign. Based on the available information, we are unable to determine the clinical significance of this variant.

All of Us Research Program, National Institutes of Health
Classification: Likely benign for Breast-ovarian cancer, familial, susceptibility to, 2. Last evaluated: 2023-12-13. Review status: criteria provided, single submitter. Criteria: ACMG Guidelines, 2015. Collection method: clinical testing. Allele origin: germline. Inheritance: Autosomal dominant inheritance. Observed: 5 variant alleles, 5 heterozygotes.
Comment: This study involves interpretation of variants in research participants for the purpose of population health screening. Participant phenotype was not available at the time of variant classification. Additional details can be found in publication PMID: 35346344, PMCID: PMC8962531

GeneDx
Classification: Uncertain significance. Last evaluated: 2023-09-05. Review status: criteria provided, single submitter. Criteria: GeneDx Variant Classification Process June 2021. Collection method: clinical testing. Allele origin: germline. Affected: yes.
Comment: Observed in an individual with a personal and/or family history of breast and/or ovarian cancer (Caux-Moncoutier et al., 2011); In silico analysis supports that this missense variant does not alter protein structure/function; Not observed at significant frequency in large population cohorts (gnomAD); Also known as 5731A>G; This variant is associated with the following publications: (PMID: 25348012, 21120943, 32377563, 29884841, 31911673)

University of Washington Department of Laboratory Medicine, University of Washington
Classification: Likely benign for Hereditary cancer-predisposing syndrome. Last evaluated: 2023-03-23. Review status: criteria provided, single submitter. Criteria: Dines et al. (Genet Med. 2020). Collection method: curation. Allele origin: germline.
Comment: Missense variant in a coldspot region where missense variants are very unlikely to be pathogenic (PMID:31911673).

BRCA2 exon 11 coldspot. Reclassification based on statistical prior probability.

Ambry Genetics
Classification: Likely benign for Hereditary cancer-predisposing syndrome. Last evaluated: 2018-10-18. Review status: criteria provided, single submitter. Criteria: Ambry Variant Classification Scheme 2023. Collection method: clinical testing. Allele origin: germline.

ARUP Laboratories, Molecular Genetics and Genomics, ARUP Laboratories
Classification: Uncertain significance. Last evaluated: 2018-10-09. Review status: criteria provided, single submitter. Criteria: ARUP Molecular Germline Variant Investigation Process. Collection method: clinical testing. Allele origin: germline.
Comment: The BRCA2 c.5503A>G; p.Asn1835Asp variant (rs80358771), is reported in the literature in at least one individual affected with breast cancer (Caux-Moncoutier 2011). This variant is reported in ClinVar (Variation ID: 51873), and is found in the African population with an allele frequency of 0.02% (3/15,268 alleles) in the Genome Aggregation Database. The asparagine at codon 1835 is weakly conserved, and computational analyses (SIFT, PolyPhen-2) predict that this variant is tolerated. Due to limited information, the clinical significance of the p.Asn1835Asp variant is uncertain at this time. References: Caux-Moncoutier V et al. EMMA, a cost- and time-effective diagnostic method for simultaneous detection of point mutations and large-scale genomic rearrangements: application to BRCA1 and BRCA2 in 1,525 patients. Hum Mutat. 2011 Mar;32(3):325-34.

Color Diagnostics, LLC DBA Color Health
Classification: Likely benign for Hereditary cancer-predisposing syndrome. Last evaluated: 2017-02-09. Review status: criteria provided, single submitter. Criteria: ACMG Guidelines, 2015. Collection method: clinical testing. Allele origin: germline.

PreventionGenetics, part of Exact Sciences
Classification: Uncertain significance for BRCA2-related condition. Last evaluated: 2024-06-07. Review status: no assertion criteria provided. Collection method: clinical testing. Allele origin: germline. Not counted in ClinVar's aggregate classification.
Comment: The BRCA2 c.5503A>G variant is predicted to result in the amino acid substitution p.Asn1835Asp. This variant has been reported as uncertain significance in a cohort of individuals with a personal and/or family history of breast cancer (Table S2, Caux-Moncoutier et al. 2011. PubMed ID: 21120943). It has also been reported in an individual with breast cancer from the Breast Information Core (BIC) database (Accession ID: 8143, Szabo et al. 2000. PubMed ID: 10923033). This variant is reported in 5 of ~250,000 alleles in gnomAD and has conflicting interpretations of likely benign and uncertain significance in ClinVar. At this time, the clinical significance of this variant is uncertain due to the absence of conclusive functional and genetic evidence.

Breast Cancer Information Core (BIC) (BRCA2)
Classification: Uncertain significance for Breast-ovarian cancer, familial 2. Last evaluated: 2004-11-25. Review status: no assertion criteria provided. Collection method: clinical testing. Allele origin: germline, unknown. Affected: yes. Observed: 2 variant alleles. Not counted in ClinVar's aggregate classification.

Literature cited by the submitters: PubMed 21120943 (cited by 3 submitters); PubMed 30630528 (cited by Quest Diagnostics Nichols Institute San Juan Capistrano); PubMed 29884841 (cited by Quest Diagnostics Nichols Institute San Juan Capistrano); PubMed 31911673 (cited by Quest Diagnostics Nichols Institute San Juan Capistrano).